The following is an entry in ClinVar:

ClinVar aggregate classification (germline): Benign/Likely benign. Review status: criteria provided, multiple submitters, no conflicts (2 of 4 stars). 3 submissions from 3 submitters: Benign (1); Likely benign (2). Last evaluated 2026-05-29.

Conditions:
FANCD2-related disorder. Also called: FANCD2-related condition.
Fanconi anemia (FA). Also called: Fanconi's anemia. Identifiers: Orphanet 84, MedGen C0015625, MeSH D005199, MONDO:0019391.
Fanconi anemia complementation group D2. Also called: FANCD2-Related Fanconi Anemia; FANCONI PANCYTOPENIA, TYPE 4; FANCONI ANEMIA, COMPLEMENTATION GROUP D. Identifiers: Orphanet 84, MedGen C3160738, MONDO:0009214, OMIM 227646.

Allele frequency attached by ClinVar (database versions not stated): gnomAD 0.00015 and 0.00014; gnomAD exomes 0.00023 and 0.00005; TOPMed 0.00013; ExAC 0.00014.
gnomAD v4.1: 89 of 1,614,078 alleles (0.0055%); highest among the groups gnomAD compares: Admixed American, 0.14%; no homozygotes.

Submissions (3):

PreventionGenetics, part of Exact Sciences
Classification: Likely benign for FANCD2-related condition. Last evaluated: 2026-05-29. Review status: criteria provided, single submitter. Criteria: ACMG Guidelines, 2015. Collection method: clinical testing. Allele origin: germline.
Comment: This variant is classified as likely benign based on ACMG/AMP sequence variant interpretation guidelines (Richards et al. 2015 PMID: 25741868, with internal and published modifications).

Labcorp Genetics (formerly Invitae), Labcorp
Classification: Benign for Fanconi anemia. Last evaluated: 2025-12-30. Review status: criteria provided, single submitter. Criteria: Invitae Variant Classification Sherloc (09022015). Collection method: clinical testing. Allele origin: germline.

Fulgent Genetics
Classification: Likely benign for Fanconi anemia complementation group D2. Last evaluated: 2021-09-08. Review status: criteria provided, single submitter. Criteria: ACMG Guidelines, 2015. Collection method: clinical testing. Allele origin: unknown.

NM_001018115.3(FANCD2):c.4206A>G (p.Gln1402=)

Genes: FANCD2 (FA complementation group D2; plus strand), FANCD2OS (FANCD2 opposite strand; minus strand). Cytogenetic location: 3p25.3.
Variant type: single nucleotide variant.
Coding change: c.4206A>G on transcript NM_001018115.3 (MANE Select); coding-DNA position 4206, A replaced by G.
Protein change: p.Gln1402=; no amino-acid change (glutamine 1402 retained).
Molecular consequence: synonymous variant. On other transcripts: intron variant (1).
Genome position (GRCh38, 1-based): chr3:10,098,740, A>G. VCF-style: chr3-10098740-A-G. GRCh37 (hg19) VCF-style: chr3-10140424-A-G.
Other names: c.4206A>G, p.Gln1402= (NM_001319984.2, NM_033084.6); c.4095A>G, p.Gln1365= (NM_001374253.1); c.4167A>G, p.Gln1389= (NM_001374254.1); c.*43+5458T>C (NM_173472.2).
Identifiers: ClinVar variation 1114398 (VCV001114398.11), dbSNP rs745841768, ClinGen allele CA2250653.